The following is an entry in ClinVar:

NM_015102.5(NPHP4):c.419C>T (p.Pro140Leu)

Gene: NPHP4 (nephrocystin 4; minus strand). Cytogenetic location: 1p36.31.
Variant type: single nucleotide variant.
Coding change: c.419C>T on transcript NM_015102.5 (MANE Select); coding-DNA position 419, C replaced by T.
Protein change: p.Pro140Leu; replaces proline 140 with leucine.
Molecular consequence: missense variant. On other transcripts: 5 prime UTR variant (2), non-coding transcript variant (1).
Genome position (GRCh38, 1-based): chr1:5,969,120, G>A on the plus strand (C>T on the coding strand, the complement: NPHP4 is on the minus strand). VCF-style: chr1-5969120-G-A. GRCh37 (hg19) VCF-style: chr1-6029180-G-A.
Other names: c.-811C>T (NM_001291593.2); c.-948C>T (NM_001291594.2); c.419C>T (NM_015102.3); short protein forms P140L.
Identifiers: ClinVar variation 594941 (VCV000594941.17), dbSNP rs370837214, ClinGen allele CA554858.

ClinVar aggregate classification (germline): Conflicting classifications of pathogenicity. Review status: criteria provided, conflicting classifications (1 of 4 stars). 7 submissions from 7 submitters: Uncertain significance (6); Likely benign (1). Last evaluated 2025-11-14.

Conditions:
Nephronophthisis 4 (NPHP4). Also called: NEPHRONOPHTHISIS 4, JUVENILE. Identifiers: Orphanet 655, MedGen C1847013, MONDO:0011752, OMIM 606966.
Senior-Loken syndrome 4 (SLSN4). Identifiers: Orphanet 3156, MedGen C1846979, MONDO:0011756, OMIM 606996.
Inborn genetic diseases. Identifiers: MedGen C0950123, MeSH D030342.
NPHP4-related disorder. Also called: NPHP4-related disorders; NPHP4-related condition. Identifiers: MedGen CN239384.
Nephronophthisis. Also called: Juvenile Nephronophthisis. Identifiers: Orphanet 655, MedGen C0687120, MONDO:0019005, HP:0000090.

Allele frequency attached by ClinVar (database versions not stated): gnomAD exomes 0.00005 and 0.00009; ESP Exome Variant Server 0.00017; ExAC 0.00018; gnomAD 0.00021 and 0.00024; TOPMed 0.00026.
gnomAD v4.1: 106 of 1,550,944 alleles (0.0068%); highest among the groups gnomAD compares: African/African-American, 0.081%; no homozygotes.

Submissions (7):

PreventionGenetics, part of Exact Sciences
Classification: Uncertain significance for NPHP4-related condition. Last evaluated: 2025-11-14. Review status: criteria provided, single submitter. Criteria: ACMG Guidelines, 2015. Collection method: clinical testing. Allele origin: germline.
Comment: The NPHP4 c.419C>T variant is predicted to result in the amino acid substitution p.Pro140Leu. To our knowledge, this variant has not been reported in the literature. This variant is reported in 0.084% of alleles in individuals of African descent in gnomAD. At this time, the clinical significance of this variant is uncertain due to the absence of conclusive functional and genetic evidence.

Labcorp Genetics (formerly Invitae), Labcorp
Classification: Uncertain significance for Nephronophthisis. Last evaluated: 2025-01-29. Review status: criteria provided, single submitter. Criteria: Invitae Variant Classification Sherloc (09022015). Collection method: clinical testing. Allele origin: germline.
Comment: This sequence change replaces proline, which is neutral and non-polar, with leucine, which is neutral and non-polar, at codon 140 of the NPHP4 protein (p.Pro140Leu). This variant is present in population databases (rs370837214, gnomAD 0.08%). This variant has not been reported in the literature in individuals affected with NPHP4-related conditions. ClinVar contains an entry for this variant (Variation ID: 594941). Invitae Evidence Modeling of protein sequence and biophysical properties (such as structural, functional, and spatial information, amino acid conservation, physicochemical variation, residue mobility, and thermodynamic stability) indicates that this missense variant is not expected to disrupt NPHP4 protein function with a negative predictive value of 80%. In summary, the available evidence is currently insufficient to determine the role of this variant in disease. Therefore, it has been classified as a Variant of Uncertain Significance.

Blueprint Genetics
Classification: Likely benign. Last evaluated: 2024-11-11. Review status: criteria provided, single submitter. Criteria: ACMG Guidelines, 2015. Collection method: clinical testing. Allele origin: germline.

Fulgent Genetics
Classification: Uncertain significance for Nephronophthisis 4; Senior-Loken syndrome 4. Last evaluated: 2024-04-16. Review status: criteria provided, single submitter. Criteria: ACMG Guidelines, 2015. Collection method: clinical testing. Allele origin: germline.

GeneDx
Classification: Uncertain significance. Last evaluated: 2023-06-27. Review status: criteria provided, single submitter. Criteria: GeneDx Variant Classification Process June 2021. Collection method: clinical testing. Allele origin: germline. Affected: yes.
Comment: In silico analysis supports that this missense variant does not alter protein structure/function; Has not been previously published as pathogenic or benign to our knowledge

Ambry Genetics
Classification: Uncertain significance for Inborn genetic diseases. Last evaluated: 2021-10-27. Review status: criteria provided, single submitter. Criteria: Ambry Variant Classification Scheme 2023. Collection method: clinical testing. Allele origin: germline.

Eurofins Ntd Llc (ga)
Classification: Uncertain significance. Last evaluated: 2018-03-19. Review status: criteria provided, single submitter. Criteria: EGL ClinVar v180209 classification definitions. Collection method: clinical testing. Allele origin: germline. Observed: 2 variant alleles, 2 heterozygotes.